The following is an entry in ClinVar:

ClinVar aggregate classification (germline): Pathogenic (1 of 4 stars; one submission).

Conditions:
Curry-Hall syndrome (WAD). Also called: WEYERS ACRODENTAL DYSOSTOSIS. Identifiers: Orphanet 952, MedGen C0457013, MONDO:0008673, OMIM 193530.
Ellis-van Creveld syndrome (EVC). Also called: EVC-Related Ellis-van Creveld Syndrome; EVC2-Related Ellis-van Creveld Syndrome; MESOECTODERMAL DYSPLASIA; Chondroectodermal dysplasia. Identifiers: Orphanet 289, MedGen C0013903, MONDO:0009162, OMIM 225500.

Submission:

Labcorp Genetics (formerly Invitae), Labcorp
Classification: Pathogenic for Curry-Hall syndrome; Ellis-van Creveld syndrome. Last evaluated: 2022-10-13. Review status: criteria provided, single submitter. Criteria: Invitae Variant Classification Sherloc (09022015). Collection method: clinical testing. Allele origin: germline.
Comment: This variant is a gross deletion of the genomic region encompassing exon(s) 3-11 of the EVC gene. This variant would be expected to be in-frame, preserving the integrity of the reading frame. This variant has not been reported in the literature in individuals affected with EVC-related conditions. This variant disrupts a region of the EVC protein in which other variant(s) (Deletion (Exons 9-10)) have been determined to be pathogenic (Invitae). This suggests that this is a clinically significant region of the protein, and that variants that disrupt it are likely to be disease-causing. For these reasons, this variant has been classified as Pathogenic.

NC_000004.12:g.(?_5729297)_(5758135_?)del

Gene: EVC (EvC ciliary complex subunit 1; plus strand). Cytogenetic location: 4p16.2.
Variant type: Deletion.
Identifiers: ClinVar variation 830782 (VCV000830782.3).